The following is an entry in ClinVar:

NM_004655.4(AXIN2):c.1422T>C (p.His474=)

Gene: AXIN2 (axin 2; minus strand). Cytogenetic location: 17q24.1.
Variant type: single nucleotide variant.
Coding change: c.1422T>C on transcript NM_004655.4 (MANE Select); coding-DNA position 1422, T replaced by C.
Protein change: p.His474=; no amino-acid change (histidine 474 retained).
Molecular consequence: synonymous variant.
Genome position (GRCh38, 1-based): chr17:65,537,614, A>G on the plus strand (T>C on the coding strand, the complement: AXIN2 is on the minus strand). VCF-style: chr17-65537614-A-G. GRCh37 (hg19) VCF-style: chr17-63533732-A-G.
Other names: c.1422T>C (LRG_296t1); c.1422T>C, p.His474= (NM_001363813.1).
Identifiers: ClinVar variation 415241 (VCV000415241.19), dbSNP rs748049932, ClinGen allele CA8718650.

ClinVar aggregate classification (germline): Benign/Likely benign. Review status: criteria provided, multiple submitters, no conflicts (2 of 4 stars). 6 submissions from 6 submitters: Benign (1); Likely benign (5). Last evaluated 2025-12-21.

Conditions:
Hereditary cancer-predisposing syndrome. Also called: Tumor predisposition; Neoplastic Syndromes, Hereditary; Hereditary neoplastic syndrome; Hereditary Cancer Syndrome. Identifiers: Orphanet 140162, MedGen C0027672, MeSH D009386, MONDO:0015356.
Oligodontia-cancer predisposition syndrome. Also called: TOOTH AGENESIS-COLORECTAL CANCER SYNDROME. Identifiers: Orphanet 300576, MedGen C1837750, MONDO:0012075, OMIM 608615. Disease mechanism: loss of function.

Allele frequency attached by ClinVar (database versions not stated): TOPMed below 0.00001; ExAC 0.00001; gnomAD 0.00001; gnomAD exomes 0.00001.
gnomAD v4.1: 7 of 1,580,574 alleles (0.00044%); highest among the groups gnomAD compares: Non-Finnish European, 0.00052%; no homozygotes.

Submissions (6):

Labcorp Genetics (formerly Invitae), Labcorp
Classification: Likely benign for Oligodontia-cancer predisposition syndrome. Last evaluated: 2025-12-21. Review status: criteria provided, single submitter. Criteria: Invitae Variant Classification Sherloc (09022015). Collection method: clinical testing. Allele origin: germline.

Center for Genomic Medicine, Rigshospitalet, Copenhagen University Hospital
Classification: Likely benign. Last evaluated: 2025-03-04. Review status: criteria provided, single submitter. Criteria: ACMG Guidelines, 2015. Collection method: clinical testing. Allele origin: germline.

Myriad Genetics, Inc.
Classification: Benign for Oligodontia-cancer predisposition syndrome. Last evaluated: 2024-07-03. Review status: criteria provided, single submitter. Criteria: Myriad Autosomal Dominant, Autosomal Recessive and X-Linked Classification Criteria (2023). Collection method: clinical testing. Allele origin: unknown.
Comment: This variant is considered benign. This variant is a silent/synonymous amino acid change and it is not expected to impact splicing.

Sema4
Classification: Likely benign for Hereditary cancer-predisposing syndrome. Last evaluated: 2021-12-13. Review status: criteria provided, single submitter. Criteria: Sema4 Curation Guidelines. Collection method: curation. Allele origin: germline.

Ambry Genetics
Classification: Likely benign for Hereditary cancer-predisposing syndrome. Last evaluated: 2020-11-10. Review status: criteria provided, single submitter. Criteria: Ambry Variant Classification Scheme 2023. Collection method: clinical testing. Allele origin: germline.

GeneDx
Classification: Likely benign. Last evaluated: 2019-07-22. Review status: criteria provided, single submitter. Criteria: GeneDx Variant Classification Process June 2021. Collection method: clinical testing. Allele origin: germline. Affected: yes.